The following is an entry in ClinVar:

NM_004821.3(HAND1):c.128A>G (p.Gln43Arg)

Gene: HAND1 (heart and neural crest derivatives expressed 1; minus strand). Cytogenetic location: 5q33.2.
Variant type: single nucleotide variant.
Coding change: c.128A>G on transcript NM_004821.3 (MANE Select); coding-DNA position 128, A replaced by G.
Protein change: p.Gln43Arg; replaces glutamine 43 with arginine.
Molecular consequence: missense variant.
Genome position (GRCh38, 1-based): chr5:154,477,881, T>C on the plus strand (A>G on the coding strand, the complement: HAND1 is on the minus strand). VCF-style: chr5-154477881-T-C. GRCh37 (hg19) VCF-style: chr5-153857441-T-C.
Other names: c.128A>G (NM_004821.2); short protein forms Q43R.
Identifiers: ClinVar variation 1400060 (VCV001400060.7), dbSNP rs768965463, ClinGen allele CA3526636.
Genomic context (GRCh38, chr5:154,477,881, plus strand): 5'-GGCGGCGGCCCGCCCGCAGGGAAGTCCGGGGCAGCGTCAGCCGGGCTCAGCAGCCAGCTC[T>C]GGAAGTAGGGCCTTTCCTGATGACAGCGCGAGGCCGGACCGAAGAGGAAGGGTTCGTGGA-3'
Protein context (NP_004812.1, residues 33-53): SRCHQERPYF[Gln43Arg]SWLLSPADAA

ClinVar aggregate classification (germline): Uncertain significance. Review status: criteria provided, multiple submitters, no conflicts (2 of 4 stars). 2 submissions from 2 submitters: Uncertain significance (2). Last evaluated 2025-04-23.

Conditions:
Hypoplastic left heart syndrome. Also called: Hypoplastic left ventricle; Hypoplastic left heart. Identifiers: Orphanet 2248, MedGen C0152101, MONDO:0004933, HP:0004383.

Allele frequency attached by ClinVar (database versions not stated): gnomAD exomes below 0.00001; ExAC 0.00001; gnomAD 0.00002; TOPMed 0.00002.
gnomAD v4.1: 8 of 1,600,886 alleles (0.0005%); highest among the groups gnomAD compares: African/African-American, 0.0027%; no homozygotes.

Submissions (2):

Labcorp Genetics (formerly Invitae), Labcorp
Classification: Uncertain significance for Hypoplastic left heart syndrome. Last evaluated: 2025-04-23. Review status: criteria provided, single submitter. Criteria: Invitae Variant Classification Sherloc (09022015). Collection method: clinical testing. Allele origin: germline.
Comment: This sequence change replaces glutamine, which is neutral and polar, with arginine, which is basic and polar, at codon 43 of the HAND1 protein (p.Gln43Arg). The frequency data for this variant in the population databases is considered unreliable, as metrics indicate poor data quality at this position in the gnomAD database. This variant has not been reported in the literature in individuals affected with HAND1-related conditions. ClinVar contains an entry for this variant (Variation ID: 1400060). An algorithm developed to predict the effect of missense changes on protein structure and function (PolyPhen-2) suggests that this variant is likely to be tolerated. In summary, the available evidence is currently insufficient to determine the role of this variant in disease. Therefore, it has been classified as a Variant of Uncertain Significance.

Ambry Genetics
Classification: Uncertain significance. Last evaluated: 2024-02-12. Review status: criteria provided, single submitter. Criteria: Ambry Variant Classification Scheme 2023. Collection method: clinical testing. Allele origin: germline.